The following is an entry in ClinVar:

NM_000492.4(CFTR):c.320C>A (p.Ala107Asp)

Gene: CFTR (CF transmembrane conductance regulator; plus strand). Cytogenetic location: 7q31.2.
Variant type: single nucleotide variant.
Coding change: c.320C>A on transcript NM_000492.4 (MANE Select); coding-DNA position 320, C replaced by A.
Protein change: p.Ala107Asp; replaces alanine 107 with aspartic acid.
Molecular consequence: missense variant.
Genome position (GRCh38, 1-based): chr7:117,530,945, C>A. VCF-style: chr7-117530945-C-A. GRCh37 (hg19) VCF-style: chr7-117170999-C-A.
Other names: short protein forms A107D.
Identifiers: ClinVar variation 3491613 (VCV003491613.1).

ClinVar aggregate classification (germline): Uncertain significance (1 of 4 stars; one submission).

Conditions:
Cystic fibrosis (CF). Also called: MUCOVISCIDOSIS. Identifiers: Orphanet 586, MedGen C0010674, MONDO:0009061, OMIM 219700. Disease mechanism: loss of function.

Submission:

Ambry Genetics
Classification: Uncertain significance for Cystic fibrosis. Last evaluated: 2024-11-05. Review status: criteria provided, single submitter. Criteria: Ambry Variant Classification Scheme 2023. Collection method: clinical testing. Allele origin: germline.
Comment: The p.A107D variant (also known as c.320C>A), located in coding exon 4 of the CFTR gene, results from a C to A substitution at nucleotide position 320. The alanine at codon 107 is replaced by aspartic acid, an amino acid with dissimilar properties. This alteration was identified in an individual diagnosed with cystic fibrosis but clinical details were limited (Shen Y et al. J Med Genet, 2022 Jul;60:310-5). This amino acid position is highly conserved in available vertebrate species. In addition, this alteration is predicted to be deleterious by in silico analysis. Based on the available evidence, the clinical significance of this variant remains unclear.

Literature cited by the submitters: PubMed 35858753.